The following is an entry in ClinVar:

NM_025074.7(FRAS1):c.11577T>C (p.Asp3859=)

Gene: FRAS1 (Fraser extracellular matrix complex subunit 1; plus strand). Cytogenetic location: 4q21.21.
Variant type: single nucleotide variant.
Coding change: c.11577T>C on transcript NM_025074.7 (MANE Select); coding-DNA position 11577, T replaced by C.
Protein change: p.Asp3859=; no amino-acid change (aspartic acid 3859 retained).
Molecular consequence: synonymous variant.
Genome position (GRCh38, 1-based): chr4:78,540,662, T>C. VCF-style: chr4-78540662-T-C. GRCh37 (hg19) VCF-style: chr4-79461816-T-C.
Identifiers: ClinVar variation 3046790 (VCV003046790.2), dbSNP rs1425546904, ClinGen allele CA440225348.
Genomic context (GRCh38, chr4:78,540,662, plus strand): 5'-GGTCCAGCGCTCTCTCACAGCTCCACTCAGACGCAACCGAAGGGACCTGGTAGAGCCCGA[T>C]GGCCAGCTGATCCTTGATGATTCCCTCATCTATGACAATGAAGGAGACCAAGTCAAGAAT-3'
Protein context (NP_079350.5, residues 3849-3869): RRNRRDLVEP[Asp3859=]GQLILDDSLI

ClinVar aggregate classification (germline): Likely benign (0 of 4 stars; one submission).

Conditions:
FRAS1-related disorder. Also called: FRAS1-related condition.

gnomAD v4.1: 1 of 1,612,718 alleles (0.000062%); highest among the groups gnomAD compares: Admixed American, 0.0017%; no homozygotes.

Submission:

PreventionGenetics, part of Exact Sciences
Classification: Likely benign for FRAS1-related condition. Last evaluated: 2023-04-13. Review status: no assertion criteria provided. Collection method: clinical testing. Allele origin: germline.
Comment: This variant is classified as likely benign based on ACMG/AMP sequence variant interpretation guidelines (Richards et al. 2015 PMID: 25741868, with internal and published modifications).